The following is an entry in ClinVar:

NM_000038.6(APC):c.4891A>T (p.Ser1631Cys)

Gene: APC (APC regulator of Wnt signaling pathway; plus strand). Cytogenetic location: 5q22.2.
Variant type: single nucleotide variant.
Coding change: c.4891A>T on transcript NM_000038.6 (MANE Select); coding-DNA position 4891, A replaced by T.
Protein change: p.Ser1631Cys; replaces serine 1631 with cysteine.
Molecular consequence: missense variant.
Genome position (GRCh38, 1-based): chr5:112,840,485, A>T. VCF-style: chr5-112840485-A-T. GRCh37 (hg19) VCF-style: chr5-112176182-A-T.
Other names: c.4891A>T, p.Ser1631Cys (NM_001127510.3, NM_001354895.2); c.4837A>T, p.Ser1613Cys (NM_001127511.3); c.4945A>T, p.Ser1649Cys (NM_001354896.2); c.4921A>T, p.Ser1641Cys (NM_001354897.2); c.4816A>T, p.Ser1606Cys (NM_001354898.2); c.4807A>T, p.Ser1603Cys (NM_001354899.2); c.4768A>T, p.Ser1590Cys (NM_001354900.2); c.4714A>T, p.Ser1572Cys (NM_001354901.2); and 5 more; short protein forms S1613C, S1631C, S1348C, S1471C, S1530C, S1606C, S1649C, S1505C.
Identifiers: ClinVar variation 233845 (VCV000233845.21), dbSNP rs876660680, ClinGen allele CA10578384.

ClinVar aggregate classification (germline): Uncertain significance. Review status: criteria provided, multiple submitters, no conflicts (2 of 4 stars). 4 submissions from 4 submitters: Uncertain significance (4). Last evaluated 2025-12-12.

Conditions:
Familial adenomatous polyposis 1 (FAP1). Also called: FAMILIAL ADENOMATOUS POLYPOSIS 1, ATTENUATED; POLYPOSIS, ADENOMATOUS INTESTINAL. Identifiers: MedGen C2713442, MONDO:0021056, OMIM 175100. Disease mechanism: loss of function.
Hereditary cancer-predisposing syndrome. Also called: Neoplastic Syndromes, Hereditary; Tumor predisposition; Hereditary Cancer Syndrome; Hereditary neoplastic syndrome. Identifiers: Orphanet 140162, MedGen C0027672, MeSH D009386, MONDO:0015356.

Allele frequency attached by ClinVar (database versions not stated): TOPMed below 0.00001; gnomAD 0.00001; gnomAD exomes 0.00001.
gnomAD v4.1: 14 of 1,614,070 alleles (0.00087%); highest among the groups gnomAD compares: East Asian, 0.0045%; no homozygotes.

Submissions (4):

Labcorp Genetics (formerly Invitae), Labcorp
Classification: Uncertain significance for Familial adenomatous polyposis 1. Last evaluated: 2025-12-12. Review status: criteria provided, single submitter. Criteria: Invitae Variant Classification Sherloc (09022015). Collection method: clinical testing. Allele origin: germline.
Comment: This sequence change replaces serine, which is neutral and polar, with cysteine, which is neutral and slightly polar, at codon 1631 of the APC protein (p.Ser1631Cys). This variant is not present in population databases (gnomAD no frequency). This missense change has been observed in individual(s) with multiple adenomas or familial adenomatous polyposis (PMID: 27705013). ClinVar contains an entry for this variant (Variation ID: 233845). Invitae Evidence Modeling of protein sequence and biophysical properties (such as structural, functional, and spatial information, amino acid conservation, physicochemical variation, residue mobility, and thermodynamic stability) indicates that this missense variant is not expected to disrupt APC protein function with a negative predictive value of 95%. In summary, the available evidence is currently insufficient to determine the role of this variant in disease. Therefore, it has been classified as a Variant of Uncertain Significance.

Ambry Genetics
Classification: Uncertain significance for Hereditary cancer-predisposing syndrome. Last evaluated: 2025-05-25. Review status: criteria provided, single submitter. Criteria: Ambry Variant Classification Scheme 2023. Collection method: clinical testing. Allele origin: germline.
Comment: The p.S1631C variant (also known as c.4891A>T), located in coding exon 15 of the APC gene, results from an A to T substitution at nucleotide position 4891. The serine at codon 1631 is replaced by cysteine, an amino acid with dissimilar properties. This alteration has been identified in an individual with polyposis (Marabelli M et al. Genet Test Mol Biomarkers, 2016 12;20:777-785). This amino acid position is not well conserved in available vertebrate species. In addition, in silico predictors for this gene do not accurately predict pathogenicity. Since supporting evidence is limited at this time, the clinical significance of this alteration remains unclear.

GeneDx
Classification: Uncertain significance. Last evaluated: 2022-03-21. Review status: criteria provided, single submitter. Criteria: GeneDx Variant Classification Process June 2021. Collection method: clinical testing. Allele origin: germline. Affected: yes.
Comment: Not observed at significant frequency in large population cohorts (gnomAD); In silico analysis supports that this missense variant does not alter protein structure/function; Identified in patients with multiple adenomas with or without colorectal cancer (Marabelli 2016); This variant is associated with the following publications: (PMID: 18199528, 27705013)

Color Diagnostics, LLC DBA Color Health
Classification: Uncertain significance for Hereditary cancer-predisposing syndrome. Last evaluated: 2019-03-25. Review status: criteria provided, single submitter. Criteria: ACMG Guidelines, 2015. Collection method: clinical testing. Allele origin: germline.

Literature cited by the submitters: PubMed 27705013 (cited by Labcorp Genetics (formerly Invitae), Labcorp and Ambry Genetics).